The following is an entry in ClinVar:

NM_002732.4(PRKACG):c.949C>T (p.Pro317Ser)

Gene: PRKACG (protein kinase cAMP-activated catalytic subunit gamma; minus strand). Cytogenetic location: 9q21.11.
Variant type: single nucleotide variant.
Coding change: c.949C>T on transcript NM_002732.4 (MANE Select); coding-DNA position 949, C replaced by T.
Protein change: p.Pro317Ser; replaces proline 317 with serine.
Molecular consequence: missense variant.
Genome position (GRCh38, 1-based): chr9:69,013,144, G>A on the plus strand (C>T on the coding strand, the complement: PRKACG is on the minus strand). VCF-style: chr9-69013144-G-A. GRCh37 (hg19) VCF-style: chr9-71628060-G-A.
Other names: p.Pro317Ser; short protein forms P317S.
Identifiers: ClinVar variation 4541444 (VCV004541444.1).

ClinVar aggregate classification (germline): Uncertain significance (1 of 4 stars; one submission).

gnomAD v4.1: 11 of 1,614,158 alleles (0.00068%); highest among the groups gnomAD compares: Non-Finnish European, 0.00085%; no homozygotes.

Submission:

Mayo Clinic Laboratories, Mayo Clinic
Classification: Uncertain significance. Last evaluated: 2024-10-16. Review status: criteria provided, single submitter. Criteria: ACMG Guidelines, 2015. Collection method: clinical testing. Allele origin: germline. Observed: 1 variant allele.
Comment: BP4, PM1_supporting, PM2_supporting